The following is an entry in ClinVar:

NM_000210.4(ITGA6):c.1150_1151del (p.Ile384fs)

Genes: ITGA6 (integrin subunit alpha 6; plus strand), PDK1-AS1 (PDK1 and ITGA6 antisense RNA 1; minus strand). Cytogenetic location: 2q31.1.
Variant type: Microsatellite.
Coding change: c.1150_1151del on transcript NM_000210.4 (MANE Select); coding-DNA positions 1150 to 1151, 2 bases deleted (AT; older notation c.1150_1151delAT).
Protein change: p.Ile384fs; shifts the reading frame from isoleucine 384.
Molecular consequence: frameshift variant.
Genome position (GRCh38, 1-based): chr2:172,475,092-172,475,093, AT deleted; deleting any 2 consecutive bases within chr2:172,475,090-172,475,093 gives the same sequence; the c. name uses the placement nearest the transcript's 3' end. VCF-style (leftmost placement, unchanged base first): chr2-172475089-AAT-A. GRCh37 (hg19) VCF-style: chr2-173339817-AAT-A.
Other names: c.1150_1151del, p.Ile384fs (NM_001079818.3, NM_001365529.2, NM_001365530.2); c.793_794del, p.Ile265fs (NM_001316306.2); c.1267_1268del, p.Ile423fs (NM_001394928.1); short protein forms I265fs, I384fs, I423fs.
Identifiers: ClinVar variation 2770277 (VCV002770277.3), dbSNP rs2468317497, ClinGen allele CA2697551337.
Genomic context (GRCh38, chr2:172,475,089, plus strand): 5'-AATGTGAAGCCAATTCGTCTTAATGGAACCAAAGATTCTATGTTTGGCATTGCAGTAAAA[AAT>A]ATTGGAGATATTAATCAAGATGGCTACCCAGGTAGATAATAGATTATGAAATGGCTATGA-3'

ClinVar aggregate classification (germline): Pathogenic (1 of 4 stars; one submission).

Submission:

Labcorp Genetics (formerly Invitae), Labcorp
Classification: Pathogenic. Last evaluated: 2023-10-20. Review status: criteria provided, single submitter. Criteria: Invitae Variant Classification Sherloc (09022015). Collection method: clinical testing. Allele origin: germline.
Comment: This sequence change creates a premature translational stop signal (p.Ile384Trpfs*4) in the ITGA6 gene. It is expected to result in an absent or disrupted protein product. Loss-of-function variants in ITGA6 are known to be pathogenic (PMID: 9158140, 9185503, 9804362, 27607025). This variant is not present in population databases (gnomAD no frequency). This variant has not been reported in the literature in individuals affected with ITGA6-related conditions. Algorithms developed to predict the effect of sequence changes on RNA splicing suggest that this variant may disrupt the consensus splice site. For these reasons, this variant has been classified as Pathogenic.

Literature cited by the submitters: PubMed 9158140; PubMed 9185503; PubMed 9804362; PubMed 27607025.